The following is an entry in ClinVar:

NM_001292063.2(OTOG):c.2276C>T (p.Ala759Val)

Gene: OTOG (otogelin; plus strand). Cytogenetic location: 11p15.1.
Variant type: single nucleotide variant.
Coding change: c.2276C>T on transcript NM_001292063.2 (MANE Select); coding-DNA position 2276, C replaced by T.
Protein change: p.Ala759Val; replaces alanine 759 with valine.
Molecular consequence: missense variant.
Genome position (GRCh38, 1-based): chr11:17,573,273, C>T. VCF-style: chr11-17573273-C-T. GRCh37 (hg19) VCF-style: chr11-17594820-C-T.
Other names: c.2312C>T, p.Ala771Val (NM_001277269.2); short protein forms A771V, A759V.
Identifiers: ClinVar variation 229086 (VCV000229086.5), dbSNP rs876657937, ClinGen allele CA10576859.

ClinVar aggregate classification (germline): Uncertain significance (1 of 4 stars; one submission).

Allele frequency attached by ClinVar (database versions not stated): gnomAD 0.00001 and 0.00002; gnomAD exomes 0.00001 and 0.00002; TOPMed 0.00001.
gnomAD v4.1: 15 of 1,528,006 alleles (0.00098%); highest among the groups gnomAD compares: Admixed American, 0.002%; no homozygotes.

Submission:

Laboratory for Molecular Medicine, Mass General Brigham Personalized Medicine
Classification: Uncertain significance. Last evaluated: 2015-07-20. Review status: criteria provided, single submitter. Criteria: LMM Criteria. Collection method: clinical testing. Allele origin: germline. Observed: 1 variant allele.
Comment: The p.Ala771Val variant in OTOG has not been previously reported in individuals with hearing loss. Data from large population studies is insufficient to assess the frequency of this variant. Computational prediction tools and conservation a nalyses suggest that this variant may not impact the protein, though this inform ation is not predictive enough to rule out pathogenicity. In summary, the clinic al significance of the p.Ala771Val variant is uncertain.